The following is an entry in ClinVar:

ClinVar aggregate classification (germline): Uncertain significance (1 of 4 stars; one submission).

Conditions:
Familial cold autoinflammatory syndrome 3 (FCAS3). Also called: ANTIBODY DEFICIENCY AND IMMUNE DYSREGULATION, PLCG2-ASSOCIATED; FAMILIAL ATYPICAL COLD URTICARIA. Identifiers: Orphanet 300359, MedGen C3280914, MONDO:0013766, OMIM 614468.

Allele frequency attached by ClinVar (database versions not stated): TOPMed 0.00001.
gnomAD v4.1: 6 of 1,613,990 alleles (0.00037%); highest among the groups gnomAD compares: African/African-American, 0.0013%; no homozygotes.

Submission:

Labcorp Genetics (formerly Invitae), Labcorp
Classification: Uncertain significance for Familial cold autoinflammatory syndrome 3. Last evaluated: 2020-04-21. Review status: criteria provided, single submitter. Criteria: Invitae Variant Classification Sherloc (09022015). Collection method: clinical testing. Allele origin: germline.
Comment: In summary, the available evidence is currently insufficient to determine the role of this variant in disease. Therefore, it has been classified as a Variant of Uncertain Significance. Algorithms developed to predict the effect of missense changes on protein structure and function (SIFT, PolyPhen-2, Align-GVGD) all suggest that this variant is likely to be tolerated, but these predictions have not been confirmed by published functional studies and their clinical significance is uncertain. This variant has not been reported in the literature in individuals with PLCG2-related conditions. This variant is not present in population databases (ExAC no frequency). This sequence change replaces arginine with glutamine at codon 461 of the PLCG2 protein (p.Arg461Gln). The arginine residue is weakly conserved and there is a small physicochemical difference between arginine and glutamine.

NM_002661.5(PLCG2):c.1382G>A (p.Arg461Gln)

Gene: PLCG2 (phospholipase C gamma 2; plus strand). Cytogenetic location: 16q23.3.
Variant type: single nucleotide variant.
Coding change: c.1382G>A on transcript NM_002661.5 (MANE Select); coding-DNA position 1382, G replaced by A.
Protein change: p.Arg461Gln; replaces arginine 461 with glutamine.
Molecular consequence: missense variant.
Genome position (GRCh38, 1-based): chr16:81,905,422, G>A. VCF-style: chr16-81905422-G-A. GRCh37 (hg19) VCF-style: chr16-81939027-G-A.
Other names: short protein forms R461Q.
Identifiers: ClinVar variation 1027106 (VCV001027106.8), dbSNP rs3935625, ClinGen allele CA396899613.